The following is an entry in ClinVar:

NM_153717.3(EVC):c.2226C>T (p.Cys742=)

Gene: EVC (EvC ciliary complex subunit 1; plus strand). Cytogenetic location: 4p16.2.
Variant type: single nucleotide variant.
Coding change: c.2226C>T on transcript NM_153717.3 (MANE Select); coding-DNA position 2226, C replaced by T.
Protein change: p.Cys742=; no amino-acid change (cysteine 742 retained).
Molecular consequence: synonymous variant.
Genome position (GRCh38, 1-based): chr4:5,798,714, C>T. VCF-style: chr4-5798714-C-T. GRCh37 (hg19) VCF-style: chr4-5800441-C-T.
Other names: c.2226C>T, p.Cys742= (NM_001306090.2).
Identifiers: ClinVar variation 1124284 (VCV001124284.11), dbSNP rs1174341100, ClinGen allele CA438204785.

ClinVar aggregate classification (germline): Likely benign. Review status: criteria provided, multiple submitters, no conflicts (2 of 4 stars). 2 submissions from 2 submitters: Likely benign (2). Last evaluated 2026-07-01.

Conditions:
Curry-Hall syndrome (WAD). Also called: WEYERS ACRODENTAL DYSOSTOSIS. Identifiers: Orphanet 952, MedGen C0457013, MONDO:0008673, OMIM 193530.
Ellis-van Creveld syndrome (EVC). Also called: Chondroectodermal dysplasia; MESOECTODERMAL DYSPLASIA. Identifiers: Orphanet 289, MedGen C0013903, MONDO:0009162, OMIM 225500.

Allele frequency attached by ClinVar (database versions not stated): gnomAD 0.00001; gnomAD exomes 0.00002 and 0.00004.
gnomAD v4.1: 58 of 1,610,188 alleles (0.0036%); highest among the groups gnomAD compares: Admixed American, 0.005%; no homozygotes.

Submissions (2):

CeGaT Center for Human Genetics Tuebingen
Classification: Likely benign. Last evaluated: 2026-07-01. Review status: criteria provided, single submitter. Criteria: CeGaT Center For Human Genetics Tuebingen Variant Classification Criteria Version 2. Collection method: clinical testing. Allele origin: germline. Affected: yes. Observed: 1 variant allele.
Comment: EVC: BP4, BP7

Labcorp Genetics (formerly Invitae), Labcorp
Classification: Likely benign for Curry-Hall syndrome; Ellis-van Creveld syndrome. Last evaluated: 2023-11-02. Review status: criteria provided, single submitter. Criteria: Invitae Variant Classification Sherloc (09022015). Collection method: clinical testing. Allele origin: germline.